The following is an entry in ClinVar:

ClinVar aggregate classification (germline): Uncertain significance. Review status: criteria provided, multiple submitters, no conflicts (2 of 4 stars). 2 submissions from 2 submitters: Uncertain significance (2). Last evaluated 2023-11-18.

Conditions:
Hyperammonemia, type III (NAGSD). Also called: Hyperammonemia due to N-acetylglutamate synthase deficiency. Identifiers: Orphanet 927, MedGen C0268543, MONDO:0009377, OMIM 237310.

Allele frequency attached by ClinVar (database versions not stated): TOPMed below 0.00001.

Submissions (2):

Labcorp Genetics (formerly Invitae), Labcorp
Classification: Uncertain significance for Hyperammonemia, type III. Last evaluated: 2023-11-18. Review status: criteria provided, single submitter. Criteria: Invitae Variant Classification Sherloc (09022015). Collection method: clinical testing. Allele origin: germline.
Comment: This sequence change replaces leucine, which is neutral and non-polar, with proline, which is neutral and non-polar, at codon 19 of the NAGS protein (p.Leu19Pro). The frequency data for this variant in the population databases is considered unreliable, as metrics indicate poor data quality at this position in the gnomAD database. This variant has not been reported in the literature in individuals affected with NAGS-related conditions. ClinVar contains an entry for this variant (Variation ID: 1297474). An algorithm developed to predict the effect of missense changes on protein structure and function (PolyPhen-2) suggests that this variant is likely to be disruptive. In summary, the available evidence is currently insufficient to determine the role of this variant in disease. Therefore, it has been classified as a Variant of Uncertain Significance.

Breda Genetics srl
Classification: Uncertain significance for Hyperammonemia, type III. Last evaluated: 2021-04-12. Review status: criteria provided, single submitter. Criteria: ACMG Guidelines, 2015. Collection method: clinical testing. Allele origin: germline. Inheritance: Autosomal recessive inheritance. Affected: yes. Observed: 1 variant allele, 1 homozygote.
Comment: The variant c.56T>C (p.Leu19Pro) in the NAGS gene is reported with an estimated allele frequency of 0.0000119 in gnomAD exomes, with no homozygous individuals reported. The nucleotide position is moderately conserved across 35 mammalian species (GERP RS: 2.07). In silico analysis indicates that the variant might be neutral. However, especially in the setting of variable expressivity, it is advised to use in silico prediction tools with caution (PMID:29805046).

NM_153006.3(NAGS):c.56T>C (p.Leu19Pro)

Gene: NAGS (N-acetylglutamate synthase; plus strand). Cytogenetic location: 17q21.31.
Variant type: single nucleotide variant.
Coding change: c.56T>C on transcript NM_153006.3 (MANE Select); coding-DNA position 56, T replaced by C.
Protein change: p.Leu19Pro; replaces leucine 19 with proline.
Molecular consequence: missense variant.
Genome position (GRCh38, 1-based): chr17:44,004,719, T>C. VCF-style: chr17-44004719-T-C. GRCh37 (hg19) VCF-style: chr17-42082087-T-C.
Other names: short protein forms L19P.
Identifiers: ClinVar variation 1297474 (VCV001297474.7), dbSNP rs1230176529, ClinGen allele CA399736664.